The following is an entry in ClinVar:

NM_206933.4(USH2A):c.11146C>T (p.Gln3716Ter)

Gene: USH2A (usherin; minus strand). Cytogenetic location: 1q41.
Variant type: single nucleotide variant.
Coding change: c.11146C>T on transcript NM_206933.4 (MANE Select); coding-DNA position 11146, C replaced by T.
Protein change: p.Gln3716Ter; replaces glutamine 3716 with a stop codon.
Molecular consequence: nonsense.
Genome position (GRCh38, 1-based): chr1:215,759,745, G>A on the plus strand (C>T on the coding strand, the complement: USH2A is on the minus strand). VCF-style: chr1-215759745-G-A. GRCh37 (hg19) VCF-style: chr1-215933087-G-A.
Other names: short protein forms Q3716*.
Identifiers: ClinVar variation 860045 (VCV000860045.10), dbSNP rs771260365, ClinGen allele CA344822849.

ClinVar aggregate classification (germline): Pathogenic. Review status: criteria provided, multiple submitters, no conflicts (2 of 4 stars). 2 submissions from 2 submitters: Pathogenic (2). Last evaluated 2023-04-10.

Conditions:
Retinitis pigmentosa 39 (RP39). Identifiers: Orphanet 791, MedGen C3151138, MONDO:0013436, OMIM 613809.

Allele frequency attached by ClinVar (database versions not stated): TOPMed 0.00001.
gnomAD v4.1: 1 of 1,613,898 alleles (0.000062%); highest among the groups gnomAD compares: Non-Finnish European, 0.000085%; no homozygotes.

Submissions (2):

Baylor Genetics
Classification: Pathogenic for Retinitis pigmentosa 39. Last evaluated: 2023-04-10. Review status: criteria provided, single submitter. Criteria: ACMG Guidelines, 2015. Collection method: clinical testing. Allele origin: unknown.

Labcorp Genetics (formerly Invitae), Labcorp
Classification: Pathogenic. Last evaluated: 2020-03-17. Review status: criteria provided, single submitter. Criteria: Invitae Variant Classification Sherloc (09022015). Collection method: clinical testing. Allele origin: germline.
Comment: For these reasons, this variant has been classified as Pathogenic. Loss-of-function variants in USH2A are known to be pathogenic (PMID: 10729113, 10909849, 20507924, 25649381). This variant has been observed in individual(s) with Usher syndrome (PMID: 22004887, 22009552). This variant is not present in population databases (ExAC no frequency). This sequence change creates a premature translational stop signal (p.Gln3716*) in the USH2A gene. It is expected to result in an absent or disrupted protein product.

Literature cited by the submitters: PubMed 10729113 (cited by Labcorp Genetics (formerly Invitae), Labcorp); PubMed 10909849 (cited by Labcorp Genetics (formerly Invitae), Labcorp); PubMed 20507924 (cited by Labcorp Genetics (formerly Invitae), Labcorp); PubMed 25649381 (cited by Labcorp Genetics (formerly Invitae), Labcorp); PubMed 22004887 (cited by Labcorp Genetics (formerly Invitae), Labcorp); PubMed 22009552 (cited by Labcorp Genetics (formerly Invitae), Labcorp).